The following is an entry in ClinVar:

ClinVar aggregate classification (germline): Uncertain significance (1 of 4 stars; one submission).

Conditions:
Familial hemiplegic migraine. Identifiers: MedGen C0338484, MONDO:0000700.

Submission:

Labcorp Genetics (formerly Invitae), Labcorp
Classification: Uncertain significance for Familial hemiplegic migraine. Last evaluated: 2021-08-03. Review status: criteria provided, single submitter. Criteria: Invitae Variant Classification Sherloc (09022015). Collection method: clinical testing. Allele origin: germline.
Comment: Experimental studies and prediction algorithms are not available or were not evaluated, and the functional significance of this variant is currently unknown. In summary, the available evidence is currently insufficient to determine the role of this variant in disease. Therefore, it has been classified as a Variant of Uncertain Significance. This variant has been observed in individual(s) with clinical features of ATP1A2-related conditions (Invitae). This variant is not present in population databases (ExAC no frequency). This variant, c.892_909dup, results in the insertion of 6 amino acid(s) to the ATP1A2 protein (p.Val298_Ser303dup), but otherwise preserves the integrity of the reading frame.

NM_000702.4(ATP1A2):c.892_909dup (p.Val298_Ser303dup)

Gene: ATP1A2 (ATPase Na+/K+ transporting subunit alpha 2; plus strand). Cytogenetic location: 1q23.2.
Variant type: Duplication.
Coding change: c.892_909dup on transcript NM_000702.4 (MANE Select); coding-DNA positions 892 to 909, 18 bases duplicated (GTATTCCTGGGGGTCTCC).
Protein change: p.Val298_Ser303dup.
Molecular consequence: inframe insertion.
Genome position (GRCh38, 1-based): chr1:160,127,695-160,127,712, GTATTCCTGGGGGTCTCC duplicated. VCF-style (leftmost placement, unchanged base first): chr1-160127694-T-TGTATTCCTGGGGGTCTCC. GRCh37 (hg19) VCF-style: chr1-160097484-T-TGTATTCCTGGGGGTCTCC.
Identifiers: ClinVar variation 1523808 (VCV001523808.6), dbSNP rs2101988440, ClinGen allele CA2573131134.